The following is an entry in ClinVar:

ClinVar aggregate classification (germline): Uncertain significance (1 of 4 stars; one submission).

Conditions:
Glycogen storage disease type III (GSD3). Also called: FORBES DISEASE; Cori disease. Identifiers: Orphanet 366, MedGen C0017922, MONDO:0009291, OMIM 232400.

Allele frequency attached by ClinVar (database versions not stated): gnomAD exomes below 0.00001.
gnomAD v4.1: 1 of 1,614,070 alleles (0.000062%); highest among the groups gnomAD compares: South Asian, 0.0011%; no homozygotes.

Submission:

Labcorp Genetics (formerly Invitae), Labcorp
Classification: Uncertain significance for Glycogen storage disease type III. Last evaluated: 2022-03-04. Review status: criteria provided, single submitter. Criteria: Invitae Variant Classification Sherloc (09022015). Collection method: clinical testing. Allele origin: germline.
Comment: This sequence change replaces glycine, which is neutral and non-polar, with aspartic acid, which is acidic and polar, at codon 1141 of the AGL protein (p.Gly1141Asp). This variant is present in population databases (no rsID available, gnomAD 0.003%). This variant has not been reported in the literature in individuals affected with AGL-related conditions. Algorithms developed to predict the effect of missense changes on protein structure and function (SIFT, PolyPhen-2, Align-GVGD) all suggest that this variant is likely to be tolerated. In summary, the available evidence is currently insufficient to determine the role of this variant in disease. Therefore, it has been classified as a Variant of Uncertain Significance.

NM_000642.3(AGL):c.3422G>A (p.Gly1141Asp)

Gene: AGL (amylo-alpha-1,6-glucosidase and 4-alpha-glucanotransferase; plus strand). Cytogenetic location: 1p21.2.
Variant type: single nucleotide variant.
Coding change: c.3422G>A on transcript NM_000642.3 (MANE Select); coding-DNA position 3422, G replaced by A.
Protein change: p.Gly1141Asp; replaces glycine 1141 with aspartic acid.
Molecular consequence: missense variant.
Genome position (GRCh38, 1-based): chr1:99,900,695, G>A. VCF-style: chr1-99900695-G-A. GRCh37 (hg19) VCF-style: chr1-100366251-G-A.
Other names: c.3422G>A, p.Gly1141Asp (NM_000028.3, NM_000643.3, NM_000644.3 and 1 more transcripts); c.3374G>A, p.Gly1125Asp (NM_000646.3); c.3401G>A, p.Gly1134Asp (NM_001425326.1); c.3221G>A, p.Gly1074Asp (NM_001425327.1); c.3218G>A, p.Gly1073Asp (NM_001425328.1); c.3083G>A, p.Gly1028Asp (NM_001425329.1); c.3044G>A, p.Gly1015Asp (NM_001425332.1); short protein forms G1141D, G1125D, G1015D, G1028D, G1073D, G1074D, G1134D.
Identifiers: ClinVar variation 2172051 (VCV002172051.1), dbSNP rs1160632915, ClinGen allele CA341331040.
Genomic context (GRCh38, chr1:99,900,695, plus strand): 5'-GGAATATTATTTTAGCATTTGCGGGTACCCTGAGGCATGGTCTCATTCCTAATCTACTGG[G>A]TGAAGGAATTTATGCCAGATACAATTGTCGGGATGCTGTGTGGTGGTGGCTGCAGTGTAT-3'
Protein context (NP_000633.2, residues 1131-1151): LRHGLIPNLL[Gly1141Asp]EGIYARYNCR